The following is an entry in ClinVar:

NM_000196.4(HSD11B2):c.622C>T (p.Arg208Cys)

Gene: HSD11B2 (hydroxysteroid 11-beta dehydrogenase 2; plus strand). Cytogenetic location: 16q22.1.
Variant type: single nucleotide variant.
Coding change: c.622C>T on transcript NM_000196.4 (MANE Select); coding-DNA position 622, C replaced by T.
Protein change: p.Arg208Cys; replaces arginine 208 with cysteine.
Molecular consequence: missense variant.
Genome position (GRCh38, 1-based): chr16:67,436,100, C>T. VCF-style: chr16-67436100-C-T. GRCh37 (hg19) VCF-style: chr16-67470003-C-T.
Other names: short protein forms R208C.
Identifiers: ClinVar variation 12093 (VCV000012093.7), dbSNP rs121917780, ClinGen allele CA121879.

ClinVar aggregate classification (germline): Pathogenic. Review status: criteria provided, single submitter (1 of 4 stars). 4 submissions from 4 submitters: Pathogenic (1). 3 of the submissions do not count toward it. Last evaluated 2024-06-20.

Conditions:
Apparent mineralocorticoid excess (AME). Also called: CORTISOL 11-BETA-KETOREDUCTASE DEFICIENCY. Identifiers: Orphanet 320, MedGen C0342488, MONDO:0009025, OMIM 218030.

Allele frequency attached by ClinVar (database versions not stated): ExAC 0.00001; gnomAD exomes 0.00001.
gnomAD v4.1: 4 of 1,614,050 alleles (0.00025%); highest among the groups gnomAD compares: East Asian, 0.0022%; no homozygotes.

Submissions (4):

3billion
Classification: Pathogenic for Apparent mineralocorticoid excess. Last evaluated: 2024-06-20. Review status: criteria provided, single submitter. Criteria: ACMG Guidelines, 2015. Collection method: clinical testing. Allele origin: germline. Affected: yes.
Comment: The variant is observed at an extremely low frequency in the gnomAD v4.0.0 dataset (total allele frequency: <0.001%). Predicted Consequence/Location: Missense variant In silico tool predictions suggest damaging effect of the variant on gene or gene product [REVEL: 0.85 (>=0.6, sensitivity 0.68 and specificity 0.92)]. The same nucleotide change resulting in the same amino acid change has been previously reported as pathogenic/likely pathogenic with strong evidence (ClinVar ID: VCV000012093 /PMID: 7670488 /3billion dataset). A different missense change at the same codon (p.Arg208His) has been reported as pathogenic/likely pathogenic with strong evidence (ClinVar ID: VCV000012096 /PMID: 9398712). Therefore, this variant is classified as Pathogenic according to the recommendation of ACMG/AMP guideline.

Department of Genetics, Sultan Qaboos University Hospital
Classification: Pathogenic for Apparent mineralocorticoid excess. Last evaluated: 2024-06-12. Review status: no assertion criteria provided. Collection method: curation. Allele origin: unknown. Affected: yes. Not counted in ClinVar's aggregate classification.

Biochemical Molecular Genetic Laboratory, King Abdulaziz Medical City
Classification: Likely pathogenic for Apparent mineralocorticoid excess. Last evaluated: 2019-09-26. Review status: no assertion criteria provided. Collection method: clinical testing. Allele origin: germline. Affected: yes. Not counted in ClinVar's aggregate classification.

OMIM
Classification: Pathogenic for APPARENT MINERALOCORTICOID EXCESS. Last evaluated: 1995-08-01. Review status: no assertion criteria provided. Collection method: literature only. Allele origin: germline. Not counted in ClinVar's aggregate classification.

Literature cited by the submitters: PubMed 9398712 (cited by 3billion); PubMed 7670488 (cited by 3billion and OMIM).